The following is an entry in ClinVar:

NM_001042492.3(NF1):c.1846-1G>A

Gene: NF1 (neurofibromin 1; plus strand). Cytogenetic location: 17q11.2.
Variant type: single nucleotide variant.
Coding change: c.1846-1G>A on transcript NM_001042492.3 (MANE Select); the canonical splice acceptor site of the intron before coding-DNA position 1846, G replaced by A.
Molecular consequence: splice acceptor variant.
Genome position (GRCh38, 1-based): chr17:31,225,094, G>A. VCF-style: chr17-31225094-G-A. GRCh37 (hg19) VCF-style: chr17-29552112-G-A.
Other names: c.1846-1G>A (NM_000267.4).
Identifiers: ClinVar variation 4033930 (VCV004033930.1).

ClinVar aggregate classification (germline): Uncertain significance (1 of 4 stars; one submission).

Conditions:
Cardiovascular phenotype. Identifiers: MedGen CN230736.
Hereditary cancer-predisposing syndrome. Also called: Neoplastic Syndromes, Hereditary; Tumor predisposition; Hereditary neoplastic syndrome; Hereditary Cancer Syndrome. Identifiers: Orphanet 140162, MedGen C0027672, MeSH D009386, MONDO:0015356.

Submission:

Ambry Genetics
Classification: Uncertain significance for Cardiovascular phenotype; Hereditary cancer-predisposing syndrome. Last evaluated: 2025-06-11. Review status: criteria provided, single submitter. Criteria: Ambry Variant Classification Scheme 2023. Collection method: clinical testing. Allele origin: germline.
Comment: The c.1846-1G>A intronic variant results from a G to A substitution one nucleotide upstream from coding exon 17 of the NF1 gene. Alterations that disrupt the canonical splice site are expected to result in aberrant splicing. In silico splice site analysis predicts that this alteration will weaken the native splice acceptor site and may result in the creation or strengthening of a novel splice acceptor site; however, direct evidence is insufficient at this time (Ambry internal data). Based on the available evidence, the clinical significance of this variant remains unclear.